The following is an entry in ClinVar:

ClinVar aggregate classification (germline): Uncertain significance. Review status: criteria provided, multiple submitters, no conflicts (2 of 4 stars). 2 submissions from 2 submitters: Uncertain significance (2). Last evaluated 2026-01-24.

Conditions:
Cornelia de Lange syndrome 1 (CDLS1). Also called: NIPBL-Related Cornelia de Lange Syndrome; Brachmann de Lange syndrome; TYPUS DEGENERATIVUS AMSTELODAMENSIS. Identifiers: Orphanet 199, MedGen C4551851, MONDO:0007387, OMIM 122470.
NIPBL-related disorder. Also called: NIPBL-related condition.

Submissions (2):

Labcorp Genetics (formerly Invitae), Labcorp
Classification: Uncertain significance for Cornelia de Lange syndrome 1. Last evaluated: 2026-01-24. Review status: criteria provided, single submitter. Criteria: Invitae Variant Classification Sherloc (09022015). Collection method: clinical testing. Allele origin: germline.
Comment: This sequence change replaces glutamic acid, which is acidic and polar, with lysine, which is basic and polar, at codon 650 of the NIPBL protein (p.Glu650Lys). This variant is not present in population databases (gnomAD no frequency). This variant has not been reported in the literature in individuals affected with NIPBL-related conditions. ClinVar contains an entry for this variant (Variation ID: 2634913). Invitae Evidence Modeling of protein sequence and biophysical properties (such as structural, functional, and spatial information, amino acid conservation, physicochemical variation, residue mobility, and thermodynamic stability) indicates that this missense variant is not expected to disrupt NIPBL protein function with a negative predictive value of 95%. In summary, the available evidence is currently insufficient to determine the role of this variant in disease. Therefore, it has been classified as a Variant of Uncertain Significance.

PreventionGenetics, part of Exact Sciences
Classification: Uncertain significance for NIPBL-related condition. Last evaluated: 2023-04-21. Review status: criteria provided, single submitter. Criteria: ACMG Guidelines, 2015. Collection method: clinical testing. Allele origin: germline.
Comment: The NIPBL c.1948G>A variant is predicted to result in the amino acid substitution p.Glu650Lys. To our knowledge, this variant has not been reported in the literature or in a large population database, indicating this variant is rare. At this time, the clinical significance of this variant is uncertain due to the absence of conclusive functional and genetic evidence.

NM_133433.4(NIPBL):c.1948G>A (p.Glu650Lys)

Gene: NIPBL (NIPBL cohesin loading factor; plus strand). Cytogenetic location: 5p13.2.
Variant type: single nucleotide variant.
Coding change: c.1948G>A on transcript NM_133433.4 (MANE Select); coding-DNA position 1948, G replaced by A.
Protein change: p.Glu650Lys; replaces glutamic acid 650 with lysine.
Molecular consequence: missense variant.
Genome position (GRCh38, 1-based): chr5:36,985,128, G>A. VCF-style: chr5-36985128-G-A. GRCh37 (hg19) VCF-style: chr5-36985230-G-A.
Other names: c.1948G>A, p.Glu650Lys (NM_015384.5); short protein forms E650K.
Identifiers: ClinVar variation 2634913 (VCV002634913.2), dbSNP rs1744601161, ClinGen allele CA359496461.